The following is an entry in ClinVar:

NM_000548.5(TSC2):c.3192C>G (p.Asn1064Lys)

Gene: TSC2 (TSC complex subunit 2; plus strand). Cytogenetic location: 16p13.3.
Variant type: single nucleotide variant.
Coding change: c.3192C>G on transcript NM_000548.5 (MANE Select); coding-DNA position 3192, C replaced by G.
Protein change: p.Asn1064Lys; replaces asparagine 1064 with lysine.
Molecular consequence: missense variant.
Genome position (GRCh38, 1-based): chr16:2,079,336, C>G. VCF-style: chr16-2079336-C-G. GRCh37 (hg19) VCF-style: chr16-2129337-C-G.
Other names: c.3060C>G, p.Asn1020Lys (NM_001077183.3, NM_001370404.1); c.3192C>G, p.Asn1064Lys (NM_001114382.3); c.2952C>G, p.Asn984Lys (NM_001318827.2); c.2916C>G, p.Asn972Lys (NM_001318829.2); c.2460C>G, p.Asn820Lys (NM_001318831.2); c.3093C>G, p.Asn1031Lys (NM_001318832.2); c.3063C>G, p.Asn1021Lys (NM_001363528.2, NM_001370405.1, NM_021055.3); short protein forms N1021K, N820K, N972K, N984K, N1020K, N1031K, N1064K.
Identifiers: ClinVar variation 823131 (VCV000823131.17), dbSNP rs201670791, ClinGen allele CA394285620.

ClinVar aggregate classification (germline): Conflicting classifications of pathogenicity. Review status: criteria provided, conflicting classifications (1 of 4 stars). 7 submissions from 7 submitters: Uncertain significance (5); Benign (1); Likely benign (1). Last evaluated 2026-02-17.

Conditions:
Hereditary cancer-predisposing syndrome. Also called: Hereditary Cancer Syndrome; Neoplastic Syndromes, Hereditary; Tumor predisposition; Hereditary neoplastic syndrome. Identifiers: Orphanet 140162, MedGen C0027672, MeSH D009386, MONDO:0015356.
Tuberous sclerosis 2 (TSC2). Identifiers: Orphanet 805, MedGen C1860707, MONDO:0013199, OMIM 613254.
Tuberous sclerosis syndrome (TSC). Also called: Tuberous Sclerosis Complex; Tuberous sclerosis. Identifiers: Orphanet 805, MedGen C0041341, MONDO:0001734.

gnomAD v4.1: 9 of 1,613,026 alleles (0.00056%); highest among the groups gnomAD compares: Non-Finnish European, 0.00076%; no homozygotes.

Submissions (7):

Women's Health and Genetics/Laboratory Corporation of America, LabCorp
Classification: Uncertain significance. Last evaluated: 2026-02-17. Review status: criteria provided, single submitter. Criteria: LabCorp Variant Classification Summary - May 2015. Collection method: clinical testing. Allele origin: germline.
Comment: Variant summary: TSC2 c.3192C>G (p.Asn1064Lys) results in a non-conservative amino acid change in the encoded protein sequence. Algorithms developed to predict the effect of missense changes on protein structure and function all suggest that this variant is likely to be disruptive. The variant was absent in 1613026 control chromosomes. The available data on variant occurrences in the general population are insufficient to allow any conclusion about variant significance. To our knowledge, no occurrence of c.3192C>G in individuals affected with TSC2-related conditions and no experimental evidence demonstrating its impact on protein function have been reported. ClinVar contains an entry for this variant (Variation ID: 823131). Based on the evidence outlined above, the variant was classified as uncertain significance.

Labcorp Genetics (formerly Invitae), Labcorp
Classification: Benign for Tuberous sclerosis 2. Last evaluated: 2025-08-22. Review status: criteria provided, single submitter. Criteria: Invitae Variant Classification Sherloc (09022015). Collection method: clinical testing. Allele origin: germline.

Color Diagnostics, LLC DBA Color Health
Classification: Uncertain significance for Tuberous sclerosis syndrome. Last evaluated: 2025-06-02. Review status: criteria provided, single submitter. Criteria: ACMG Guidelines, 2015. Collection method: clinical testing. Allele origin: germline.
Comment: This missense variant replaces asparagine with lysine at codon 1064 of the TSC2 protein. Computational prediction is inconclusive regarding the impact of this variant on protein structure and function. To our knowledge, functional studies have not been reported for this variant. This variant has not been reported in individuals affected with tuberous sclerosis complex in the literature. This variant has not been identified in the general population by the Genome Aggregation Database (gnomAD). The available evidence is insufficient to determine the role of this variant in disease conclusively. Therefore, this variant is classified as a Variant of Uncertain Significance.

Ambry Genetics
Classification: Uncertain significance for Hereditary cancer-predisposing syndrome. Last evaluated: 2024-10-03. Review status: criteria provided, single submitter. Criteria: Ambry Variant Classification Scheme 2023. Collection method: clinical testing. Allele origin: germline.
Comment: The p.N1064K variant (also known as c.3192C>G), located in coding exon 27 of the TSC2 gene, results from a C to G substitution at nucleotide position 3192. The asparagine at codon 1064 is replaced by lysine, an amino acid with similar properties. This amino acid position is highly conserved in available vertebrate species. In addition, the in silico prediction for this alteration is inconclusive. Since supporting evidence is limited at this time, the clinical significance of this alteration remains unclear.

Myriad Genetics, Inc.
Classification: Likely benign for Tuberous sclerosis 2. Last evaluated: 2024-08-16. Review status: criteria provided, single submitter. Criteria: Myriad Autosomal Dominant, Autosomal Recessive and X-Linked Classification Criteria (2023). Collection method: clinical testing. Allele origin: unknown.
Comment: This variant is considered likely benign. This variant has been observed at a population frequency that is significantly greater than expected given the associated disease prevalence and penetrance.

GeneDx
Classification: Uncertain significance. Last evaluated: 2023-09-23. Review status: criteria provided, single submitter. Criteria: GeneDx Variant Classification Process June 2021. Collection method: clinical testing. Allele origin: germline. Affected: yes.
Comment: Not observed at significant frequency in large population cohorts (gnomAD); In silico analysis supports that this missense variant has a deleterious effect on protein structure/function; Has not been previously published as pathogenic or benign to our knowledge

Genome-Nilou Lab
Classification: Uncertain significance for Tuberous sclerosis 2. Last evaluated: 2021-11-07. Review status: criteria provided, single submitter. Criteria: ACMG Guidelines, 2015. Collection method: clinical testing. Allele origin: germline. Affected: no.